The following is an entry in ClinVar:

NM_016239.4(MYO15A):c.7476_7477del (p.Lys2492fs)

Gene: MYO15A (myosin XVA; plus strand). Cytogenetic location: 17p11.2.
Variant type: Deletion.
Coding change: c.7476_7477del on transcript NM_016239.4 (MANE Select); coding-DNA positions 7476 to 7477, 2 bases deleted (AC; older notation c.7476_7477delAC).
Protein change: p.Lys2492fs; shifts the reading frame from lysine 2492.
Molecular consequence: frameshift variant.
Genome position (GRCh38, 1-based): chr17:18,151,112-18,151,113, AC deleted. VCF-style (leftmost placement, unchanged base first): chr17-18151111-AAC-A. GRCh37 (hg19) VCF-style: chr17-18054425-AAC-A.
Other names: short protein forms K2492fs.
Identifiers: ClinVar variation 439955 (VCV000439955.11), dbSNP rs1305675114, ClinGen allele CA625315182.

ClinVar aggregate classification (germline): Pathogenic/Likely pathogenic. Review status: criteria provided, multiple submitters, no conflicts (2 of 4 stars). 2 submissions from 2 submitters: Pathogenic (1); Likely pathogenic (1). Last evaluated 2024-06-29.

Allele frequency attached by ClinVar (database versions not stated): gnomAD exomes below 0.00001; TOPMed below 0.00001.

Submissions (2):

Labcorp Genetics (formerly Invitae), Labcorp
Classification: Pathogenic. Last evaluated: 2024-06-29. Review status: criteria provided, single submitter. Criteria: Invitae Variant Classification Sherloc (09022015). Collection method: clinical testing. Allele origin: germline.
Comment: This sequence change creates a premature translational stop signal (p.Lys2492Asnfs*75) in the MYO15A gene. It is expected to result in an absent or disrupted protein product. Loss-of-function variants in MYO15A are known to be pathogenic (PMID: 17546645). This variant is present in population databases (no rsID available, gnomAD 0.006%). This variant has not been reported in the literature in individuals affected with MYO15A-related conditions. ClinVar contains an entry for this variant (Variation ID: 439955). For these reasons, this variant has been classified as Pathogenic.

ARUP Laboratories, Molecular Genetics and Genomics, ARUP Laboratories
Classification: Likely pathogenic. Last evaluated: 2017-02-21. Review status: criteria provided, single submitter. Criteria: ARUP Molecular Germline Variant Investigation Process. Collection method: clinical testing. Allele origin: germline.

Literature cited by the submitters: PubMed 17546645 (cited by Labcorp Genetics (formerly Invitae), Labcorp).